The following is an entry in ClinVar:

ClinVar aggregate classification (germline): Conflicting classifications of pathogenicity. Review status: criteria provided, conflicting classifications (1 of 4 stars). 2 submissions from 2 submitters: Uncertain significance (1); Likely benign (1). Last evaluated 2023-11-27.

Conditions:
Intellectual developmental disorder, X-linked, syndromic, Hedera type. Also called: Syndromic X-linked intellectual disability Hedera type. Identifiers: Orphanet 93952, MedGen C1845543, MONDO:0010319, OMIM 300423.

Allele frequency attached by ClinVar (database versions not stated): gnomAD exomes 0.00001.
gnomAD v4.1: 13 of 1,210,730 alleles (0.0011%); highest among the groups gnomAD compares: South Asian, 0.0035%; no homozygotes.

Submissions (2):

Labcorp Genetics (formerly Invitae), Labcorp
Classification: Likely benign for Intellectual developmental disorder, X-linked, syndromic, Hedera type. Last evaluated: 2023-11-27. Review status: criteria provided, single submitter. Criteria: Invitae Variant Classification Sherloc (09022015). Collection method: clinical testing. Allele origin: germline.

Laboratorio de Genetica e Diagnostico Molecular, Hospital Israelita Albert Einstein
Classification: Uncertain significance for Intellectual developmental disorder, X-linked, syndromic, Hedera type. Last evaluated: 2022-11-12. Review status: criteria provided, single submitter. Criteria: ACMG Guidelines, 2015. Collection method: clinical testing. Allele origin: germline. Affected: yes. Observed: 1 variant allele.
Comment: ACMG classification criteria: PM2 moderated

NM_005765.3(ATP6AP2):c.225C>T (p.Thr75=)

Gene: ATP6AP2 (ATPase H+ transporting accessory protein 2; plus strand). Cytogenetic location: Xp11.4.
Variant type: single nucleotide variant.
Coding change: c.225C>T on transcript NM_005765.3 (MANE Select); coding-DNA position 225, C replaced by T.
Protein change: p.Thr75=; no amino-acid change (threonine 75 retained).
Molecular consequence: synonymous variant.
Genome position (GRCh38, 1-based): chrX:40,591,290, C>T. VCF-style: chrX-40591290-C-T. GRCh37 (hg19) VCF-style: chrX-40450542-C-T.
Identifiers: ClinVar variation 2075421 (VCV002075421.5), dbSNP rs895752312, ClinGen allele CA515966625.